The following is an entry in ClinVar:

NM_006087.4(TUBB4A):c.260C>T (p.Pro87Leu)

Gene: TUBB4A (tubulin beta 4A class IVa; minus strand). Cytogenetic location: 19p13.3.
Variant type: single nucleotide variant.
Coding change: c.260C>T on transcript NM_006087.4 (MANE Select); coding-DNA position 260, C replaced by T.
Protein change: p.Pro87Leu; replaces proline 87 with leucine.
Molecular consequence: missense variant.
Genome position (GRCh38, 1-based): chr19:6,501,304, G>A on the plus strand (C>T on the coding strand, the complement: TUBB4A is on the minus strand). VCF-style: chr19-6501304-G-A. GRCh37 (hg19) VCF-style: chr19-6501315-G-A.
Other names: c.413C>T, p.Pro138Leu (NM_001289123.2); c.395C>T, p.Pro132Leu (NM_001289127.2); c.260C>T, p.Pro87Leu (NM_001289129.2); c.44C>T, p.Pro15Leu (NM_001289130.2, NM_001289131.2); short protein forms P132L, P138L, P15L, P87L.
Identifiers: ClinVar variation 3778602 (VCV003778602.7).

ClinVar aggregate classification (germline): Uncertain significance (1 of 4 stars; one submission).

gnomAD v4.1: 1 of 1,613,940 alleles (0.000062%); highest among the groups gnomAD compares: Non-Finnish European, 0.000085%; no homozygotes.

Submission:

CeGaT Center for Human Genetics Tuebingen
Classification: Uncertain significance. Last evaluated: 2025-03-01. Review status: criteria provided, single submitter. Criteria: CeGaT Center For Human Genetics Tuebingen Variant Classification Criteria Version 2. Collection method: clinical testing. Allele origin: germline. Affected: yes. Observed: 1 variant allele.
Comment: TUBB4A: PM2, PP2, PP3